The following is an entry in ClinVar:

NM_005529.7(HSPG2):c.4409G>C (p.Arg1470Pro)

Gene: HSPG2 (heparan sulfate proteoglycan 2; minus strand). Cytogenetic location: 1p36.12.
Variant type: single nucleotide variant.
Coding change: c.4409G>C on transcript NM_005529.7 (MANE Select); coding-DNA position 4409, G replaced by C.
Protein change: p.Arg1470Pro; replaces arginine 1470 with proline.
Molecular consequence: missense variant.
Genome position (GRCh38, 1-based): chr1:21,865,060, C>G on the plus strand (G>C on the coding strand, the complement: HSPG2 is on the minus strand). VCF-style: chr1-21865060-C-G. GRCh37 (hg19) VCF-style: chr1-22191553-C-G.
Other names: c.4412G>C, p.Arg1471Pro (NM_001291860.2); short protein forms R1470P, R1471P.
Identifiers: ClinVar variation 1302131 (VCV001302131.2), dbSNP rs41310382, ClinGen allele CA19135409.

ClinVar aggregate classification (germline): Uncertain significance (1 of 4 stars; one submission).

Submission:

GeneDx
Classification: Uncertain significance. Last evaluated: 2019-05-30. Review status: criteria provided, single submitter. Criteria: GeneDx Variant Classification Process June 2021. Collection method: clinical testing. Allele origin: germline. Affected: yes.
Comment: Not observed in large population cohorts (Lek et al., 2016); In silico analysis, which includes protein predictors and evolutionary conservation, supports a deleterious effect; Has not been previously published as pathogenic or benign to our knowledge